The following is an entry in ClinVar:

NM_001365536.1(SCN9A):c.3807T>A (p.Ser1269=)

Genes: SCN1A-AS1 (SCN1A and SCN9A antisense RNA 1; plus strand), SCN9A (sodium voltage-gated channel alpha subunit 9; minus strand). Cytogenetic location: 2q24.3.
Variant type: single nucleotide variant.
Coding change: c.3807T>A on transcript NM_001365536.1 (MANE Select); coding-DNA position 3807, T replaced by A.
Protein change: p.Ser1269=; no amino-acid change (serine 1269 retained).
Molecular consequence: synonymous variant.
Genome position (GRCh38, 1-based): chr2:166,233,457, A>T on the plus strand (T>A on the coding strand, the complement: SCN9A is on the minus strand). VCF-style: chr2-166233457-A-T. GRCh37 (hg19) VCF-style: chr2-167089967-A-T.
Other names: c.3774T>A, p.Ser1258= (NM_002977.4).
Identifiers: ClinVar variation 507674 (VCV000507674.1), dbSNP rs1272510761, ClinGen allele CA429900542.

ClinVar aggregate classification (germline): Likely benign (1 of 4 stars; one submission).

Allele frequency attached by ClinVar (database versions not stated): gnomAD exomes below 0.00001; gnomAD 0.00001; TOPMed 0.00001.
gnomAD v4.1: 8 of 1,565,090 alleles (0.00051%); highest among the groups gnomAD compares: Non-Finnish European, 0.00051%; no homozygotes.

Submission:

GeneDx
Classification: Likely benign. Last evaluated: 2017-02-24. Review status: criteria provided, single submitter. Criteria: GeneDx Variant Classification (06012015). Collection method: clinical testing. Allele origin: germline. Affected: yes.
Comment: This variant is considered likely benign or benign based on one or more of the following criteria: it is a conservative change, it occurs at a poorly conserved position in the protein, it is predicted to be benign by multiple in silico algorithms, and/or has population frequency not consistent with disease.